The following is an entry in ClinVar:

ClinVar aggregate classification (germline): Likely pathogenic (1 of 4 stars; one submission).

Conditions:
Congenital factor V deficiency. Also called: OWREN PARAHEMOPHILIA; PARAHEMOPHILIA; Hereditary factor V deficiency disease; LABILE FACTOR DEFICIENCY. Identifiers: Orphanet 326, MedGen C0015499, MONDO:0009210, OMIM 227400.

Submission:

Labcorp Genetics (formerly Invitae), Labcorp
Classification: Likely pathogenic for Congenital factor V deficiency. Last evaluated: 2024-03-14. Review status: criteria provided, single submitter. Criteria: Invitae Variant Classification Sherloc (09022015). Collection method: clinical testing. Allele origin: germline.
Comment: This variant results in the deletion of part of exon 17 (c.5420-63_5554delinsG) of the F5 gene. It is expected to disrupt RNA splicing. Variants that disrupt the donor or acceptor splice site typically lead to a loss of protein function (PMID: 16199547), and loss-of-function variants in F5 are known to be pathogenic (PMID: 30924984). This variant is not present in population databases (gnomAD no frequency). This variant has not been reported in the literature in individuals affected with F5-related conditions. Algorithms developed to predict the effect of sequence changes on RNA splicing suggest that this variant may disrupt the consensus splice site. In summary, the currently available evidence indicates that the variant is pathogenic, but additional data are needed to prove that conclusively. Therefore, this variant has been classified as Likely Pathogenic.

Literature cited by the submitters: PubMed 16199547; PubMed 30924984.

NM_000130.5(F5):c.5420-63_5554delinsG

Gene: F5 (coagulation factor V; minus strand). Cytogenetic location: 1q24.2.
Variant type: Indel.
Coding change: c.5420-63_5554delinsG on transcript NM_000130.5 (MANE Select); 63 bases into the intron before coding-DNA position 5420 through coding-DNA position 5554, the reference bases replaced by G.
Molecular consequence: splice acceptor variant.
Genome position (GRCh38, 1-based): chr1:169,527,960-169,528,157, 198 bases replaced. GRCh37 (hg19): chr1:169,497,198-169,497,395.
Identifiers: ClinVar variation 2712817 (VCV002712817.3), dbSNP rs2526358716, ClinGen allele CA2697554639.